The following is an entry in ClinVar:

ClinVar aggregate classification (germline): Uncertain significance (1 of 4 stars; one submission).

Conditions:
Immunodeficiency-centromeric instability-facial anomalies syndrome 2 (ICF2). Identifiers: Orphanet 2268, MedGen C3279748, MONDO:0013553, OMIM 614069.

Allele frequency attached by ClinVar (database versions not stated): gnomAD exomes below 0.00001; gnomAD 0.00001.

Submission:

Labcorp Genetics (formerly Invitae), Labcorp
Classification: Uncertain significance for Immunodeficiency-centromeric instability-facial anomalies syndrome 2. Last evaluated: 2021-04-08. Review status: criteria provided, single submitter. Criteria: Invitae Variant Classification Sherloc (09022015). Collection method: clinical testing. Allele origin: germline.
Comment: Algorithms developed to predict the effect of missense changes on protein structure and function are either unavailable or do not agree on the potential impact of this missense change (SIFT: "Not Available"; PolyPhen-2: "Benign"; Align-GVGD: "Not Available"). This variant has not been reported in the literature in individuals with ZBTB24-related conditions. This variant is not present in population databases (ExAC no frequency). This sequence change replaces alanine with serine at codon 332 of the ZBTB24 protein (p.Ala332Ser). The alanine residue is moderately conserved and there is a moderate physicochemical difference between alanine and serine. In summary, the available evidence is currently insufficient to determine the role of this variant in disease. Therefore, it has been classified as a Variant of Uncertain Significance.

NM_014797.3(ZBTB24):c.994G>T (p.Ala332Ser)

Gene: ZBTB24 (zinc finger and BTB domain containing 24; minus strand). Cytogenetic location: 6q21.
Variant type: single nucleotide variant.
Coding change: c.994G>T on transcript NM_014797.3 (MANE Select); coding-DNA position 994, G replaced by T.
Protein change: p.Ala332Ser; replaces alanine 332 with serine.
Molecular consequence: missense variant.
Genome position (GRCh38, 1-based): chr6:109,476,889, C>A on the plus strand (G>T on the coding strand, the complement: ZBTB24 is on the minus strand). VCF-style: chr6-109476889-C-A. GRCh37 (hg19) VCF-style: chr6-109798092-C-A.
Other names: short protein forms A332S.
Identifiers: ClinVar variation 1350477 (VCV001350477.6), dbSNP rs1358583858, ClinGen allele CA365204559.